The following is an entry in ClinVar:

NC_000010.10:g.(?_71332155)_(71332799_?)dup

Gene: NEUROG3 (neurogenin 3; minus strand). Cytogenetic location: 10q22.1.
Variant type: Duplication.
Identifiers: ClinVar variation 1446070 (VCV001446070.4).

ClinVar aggregate classification (germline): Uncertain significance (1 of 4 stars; one submission).

Submission:

Labcorp Genetics (formerly Invitae), Labcorp
Classification: Uncertain significance. Last evaluated: 2022-07-25. Review status: criteria provided, single submitter. Criteria: Invitae Variant Classification Sherloc (09022015). Collection method: clinical testing. Allele origin: germline.
Comment: A copy number gain of the genomic region encompassing the full coding sequence of the NEUROG3 gene has been identified. The boundaries of this event are unknown as they extend beyond the assayed region for this gene and therefore may encompass additional genes. As the precise location of this event is unknown, it may be in tandem or it may be located elsewhere in the genome. This variant has not been reported in the literature in individuals affected with NEUROG3-related conditions. Experimental studies and prediction algorithms are not available or were not evaluated, and the functional significance of this variant is currently unknown. In summary, the available evidence is currently insufficient to determine the role of this variant in disease. Therefore, it has been classified as a Variant of Uncertain Significance.